The following is an entry in ClinVar:

ClinVar aggregate classification (germline): Uncertain significance (1 of 4 stars; one submission).

Conditions:
Joubert syndrome 18 (JBTS18). Identifiers: Orphanet 2754, MedGen C3553758, MONDO:0013896, OMIM 614815.
Orofacial-digital syndrome IV (OFD4). Also called: Orofaciodigital syndrome IV; BARAITSER-BURN SYNDROME; MOHR-MAJEWSKI SYNDROME; OFD SYNDROME WITH TIBIAL DEFECTS; OFD SYNDROME, BARAITSER-BURN TYPE; OFDS IV. Identifiers: Orphanet 2753, MedGen C0406727, MONDO:0009794, OMIM 258860.

Submission:

Labcorp Genetics (formerly Invitae), Labcorp
Classification: Uncertain significance for Joubert syndrome 18; Orofacial-digital syndrome IV. Last evaluated: 2021-10-11. Review status: criteria provided, single submitter. Criteria: Invitae Variant Classification Sherloc (09022015). Collection method: clinical testing. Allele origin: germline.
Comment: This sequence change replaces aspartic acid with asparagine at codon 18 of the TCTN3 protein (p.Asp18Asn). The aspartic acid residue is moderately conserved and there is a small physicochemical difference between aspartic acid and asparagine. This variant is not present in population databases (ExAC no frequency). This variant has not been reported in the literature in individuals affected with TCTN3-related conditions. Algorithms developed to predict the effect of missense changes on protein structure and function (SIFT, PolyPhen-2, Align-GVGD) all suggest that this variant is likely to be tolerated. In summary, the available evidence is currently insufficient to determine the role of this variant in disease. Therefore, it has been classified as a Variant of Uncertain Significance.

NM_015631.6(TCTN3):c.52G>A (p.Asp18Asn)

Genes: TCTN3 (tectonic family member 3; minus strand), LOC130004408 (ATAC-STARR-seq lymphoblastoid active region 3801; plus strand). Cytogenetic location: 10q24.1.
Variant type: single nucleotide variant.
Coding change: c.52G>A on transcript NM_015631.6 (MANE Select); coding-DNA position 52, G replaced by A.
Protein change: p.Asp18Asn; replaces aspartic acid 18 with asparagine.
Molecular consequence: missense variant.
Genome position (GRCh38, 1-based): chr10:95,693,848, C>T on the plus strand (G>A on the coding strand, the complement: TCTN3 is on the minus strand). VCF-style: chr10-95693848-C-T. GRCh37 (hg19) VCF-style: chr10-97453605-C-T.
Other names: c.52G>A, p.Asp18Asn (NM_001143973.2); short protein forms D18N.
Identifiers: ClinVar variation 1485777 (VCV001485777.1), dbSNP rs2139769650, ClinGen allele CA377714275.
Genomic context (GRCh38, chr10:95,693,848, plus strand): 5'-GCTCCAAAGACGTGGGCACTGCCCCTGATGGGGAGGAAGAGGGCTGAGGCCGGACGCCAT[C>T]GGGGAACACCAGAAAGAACACTTGCAGGAGCGCGAGCTGTGGGGTGCGCATGGGGCATTC-3'
Protein context (NP_056446.4, residues 8-28): LLQVFFLVFP[Asp18Asn]GVRPQPSSSP